The following is an entry in ClinVar:

ClinVar aggregate classification (germline): Uncertain significance. Review status: criteria provided, multiple submitters, no conflicts (2 of 4 stars). 2 submissions from 2 submitters: Uncertain significance (2). Last evaluated 2025-04-27.

Conditions:
Inborn genetic diseases. Identifiers: MedGen C0950123, MeSH D030342.

Allele frequency attached by ClinVar (database versions not stated): ExAC 0.00001; gnomAD 0.00005; gnomAD exomes 0.00005.
gnomAD v4.1: 85 of 1,613,886 alleles (0.0053%); highest among the groups gnomAD compares: Admixed American, 0.013%; no homozygotes.

Submissions (2):

Ambry Genetics
Classification: Uncertain significance for Inborn genetic diseases. Last evaluated: 2025-04-27. Review status: criteria provided, single submitter. Criteria: Ambry Variant Classification Scheme 2023. Collection method: clinical testing. Allele origin: germline.

Labcorp Genetics (formerly Invitae), Labcorp
Classification: Uncertain significance. Last evaluated: 2023-05-22. Review status: criteria provided, single submitter. Criteria: Invitae Variant Classification Sherloc (09022015). Collection method: clinical testing. Allele origin: germline.
Comment: In summary, the available evidence is currently insufficient to determine the role of this variant in disease. Therefore, it has been classified as a Variant of Uncertain Significance. Advanced modeling of protein sequence and biophysical properties (such as structural, functional, and spatial information, amino acid conservation, physicochemical variation, residue mobility, and thermodynamic stability) has been performed at Invitae for this missense variant, however the output from this modeling did not meet the statistical confidence thresholds required to predict the impact of this variant on GPC6 protein function. ClinVar contains an entry for this variant (Variation ID: 2145046). This variant has not been reported in the literature in individuals affected with GPC6-related conditions. This variant is present in population databases (rs764440422, gnomAD 0.01%). This sequence change replaces arginine, which is basic and polar, with histidine, which is basic and polar, at codon 468 of the GPC6 protein (p.Arg468His).

NM_005708.5(GPC6):c.1403G>A (p.Arg468His)

Gene: GPC6 (glypican 6; plus strand). Cytogenetic location: 13q31.3.
Variant type: single nucleotide variant.
Coding change: c.1403G>A on transcript NM_005708.5 (MANE Select); coding-DNA position 1403, G replaced by A.
Protein change: p.Arg468His; replaces arginine 468 with histidine.
Molecular consequence: missense variant.
Genome position (GRCh38, 1-based): chr13:94,398,579, G>A. VCF-style: chr13-94398579-G-A. GRCh37 (hg19) VCF-style: chr13-95050833-G-A.
Other names: c.1403G>A (NM_005708.3); short protein forms R468H.
Identifiers: ClinVar variation 2145046 (VCV002145046.5), dbSNP rs764440422, ClinGen allele CA7017175.